The following is an entry in ClinVar:

NM_005751.5(AKAP9):c.7654G>T (p.Ala2552Ser)

Gene: AKAP9 (A-kinase anchoring protein 9; plus strand). Cytogenetic location: 7q21.2.
Variant type: single nucleotide variant.
Coding change: c.7654G>T on transcript NM_005751.5 (MANE Select); coding-DNA position 7654, G replaced by T.
Protein change: p.Ala2552Ser; replaces alanine 2552 with serine.
Molecular consequence: missense variant.
Genome position (GRCh38, 1-based): chr7:92,079,787, G>T. VCF-style: chr7-92079787-G-T. GRCh37 (hg19) VCF-style: chr7-91709101-G-T.
Other names: c.2299G>T, p.Ala767Ser (NM_001379277.1); c.7630G>T, p.Ala2544Ser (NM_147185.3); short protein forms A2544S, A2552S, A767S.
Identifiers: ClinVar variation 3516377 (VCV003516377.1).

ClinVar aggregate classification (germline): Uncertain significance (1 of 4 stars; one submission).

Conditions:
Cardiovascular phenotype. Identifiers: MedGen CN230736.

Submission:

Ambry Genetics
Classification: Uncertain significance for Cardiovascular phenotype. Last evaluated: 2024-08-24. Review status: criteria provided, single submitter. Criteria: Ambry Variant Classification Scheme 2023. Collection method: clinical testing. Allele origin: germline.
Comment: The p.A2552S variant (also known as c.7654G>T), located in coding exon 31 of the AKAP9 gene, results from a G to T substitution at nucleotide position 7654. The alanine at codon 2552 is replaced by serine, an amino acid with similar properties. This amino acid position is conserved. In addition, this alteration is predicted to be tolerated by in silico analysis. Based on the available evidence, the clinical significance of this variant remains unclear.